The following is an entry in ClinVar:

ClinVar aggregate classification (germline): Pathogenic (1 of 4 stars; one submission).

Submission:

GeneDx
Classification: Pathogenic. Last evaluated: 2015-05-22. Review status: criteria provided, single submitter. Criteria: GeneDx Variant Classification (06012015). Collection method: clinical testing. Allele origin: germline. Affected: yes.
Comment: Although the c.5789-8_5793del13 deletion has not been reported as a pathogenic variant or as a benignpolymorphism to our knowledge, this deletion spans the intron 46/exon 47 junction and is predicted bymultiple in silico splice prediction programs to destroy the canonical splice acceptor site in intron 46 of theFBN1 gene. This deletion is predicted to lead to either an abnormal message that is subject to nonsense-mediated mRNA decay, or to an abnormal protein product if the message is used for protein translation. Othersplice site variants in the FBN1 gene have been reported in HGMD in association with Marfan syndrome(Stenson P et al., 2014). Furthermore, the c.5789-8_5793del13 deletion was not observed in approximately6,500 individuals of European and African American ancestry in the NHLBI Exome Sequencing Project,indicating it is not a common benign variant in these populations. In summary, c.5789-8_5793del13 in the FBN1 gene is interpreted as a pathogenic variant.

NM_000138.5(FBN1):c.5789-8_5793del

Gene: FBN1 (fibrillin 1; minus strand). Cytogenetic location: 15q21.1.
Variant type: Deletion.
Coding change: c.5789-8_5793del on transcript NM_000138.5 (MANE Select); 8 bases into the intron before coding-DNA position 5789 through coding-DNA position 5793, 13 bases deleted (TTCTGCAGATGTT).
Molecular consequence: splice acceptor variant.
Genome position (GRCh38, 1-based): chr15:48,445,500-48,445,512, AACATCTGCAGAA deleted on the plus strand (TTCTGCAGATGTT on the coding strand, the reverse complement: FBN1 is on the minus strand); deleting any 13 consecutive bases within chr15:48,445,500-48,445,514 gives the same sequence; the c. name uses the placement nearest the transcript's 3' end. VCF-style (leftmost placement, unchanged base first): chr15-48445499-CAACATCTGCAGAA-C. GRCh37 (hg19) VCF-style: chr15-48737696-CAACATCTGCAGAA-C.
Other names: c.5789-8_5793delTTCTGCAGATGTT (NM_000138.4).
Identifiers: ClinVar variation 419100 (VCV000419100.2), dbSNP rs1064793643, ClinGen allele CA16619949.